The following is an entry in ClinVar:

ClinVar aggregate classification (germline): Uncertain significance. Review status: criteria provided, multiple submitters, no conflicts (2 of 4 stars). 3 submissions from 3 submitters: Uncertain significance (3). Last evaluated 2026-02-01.

Conditions:
Bethlem myopathy 1A. Also called: MYOPATHY, BENIGN CONGENITAL, WITH CONTRACTURES; Bethlem Muscular Dystrophy; Bethlem myopathy 1. Identifiers: Orphanet 610, MedGen CN029274, MONDO:0024530, OMIM 158810.

Allele frequency attached by ClinVar (database versions not stated): gnomAD exomes below 0.00001; TOPMed below 0.00001.
gnomAD v4.1: 1 of 1,613,074 alleles (0.000062%); highest among the groups gnomAD compares: Admixed American, 0.0017%; no homozygotes.

Submissions (3):

CeGaT Center for Human Genetics Tuebingen
Classification: Uncertain significance. Last evaluated: 2026-02-01. Review status: criteria provided, single submitter. Criteria: CeGaT Center For Human Genetics Tuebingen Variant Classification Criteria Version 2. Collection method: clinical testing. Allele origin: germline. Affected: yes. Observed: 1 variant allele.
Comment: COL6A3: PM2

Labcorp Genetics (formerly Invitae), Labcorp
Classification: Uncertain significance for Bethlem myopathy 1A. Last evaluated: 2020-11-02. Review status: criteria provided, single submitter. Criteria: Invitae Variant Classification Sherloc (09022015). Collection method: clinical testing. Allele origin: germline.
Comment: This sequence change replaces isoleucine with valine at codon 2247 of the COL6A3 protein (p.Ile2247Val). The isoleucine residue is moderately conserved and there is a small physicochemical difference between isoleucine and valine. This variant is not present in population databases (ExAC no frequency). This variant has not been reported in the literature in individuals with COL6A3-related conditions. Experimental studies and prediction algorithms are not available or were not evaluated, and the functional significance of this variant is currently unknown. In summary, the available evidence is currently insufficient to determine the role of this variant in disease. Therefore, it has been classified as a Variant of Uncertain Significance.

GeneDx
Classification: Uncertain significance. Last evaluated: 2020-09-01. Review status: criteria provided, single submitter. Criteria: GeneDx Variant Classification Process June 2021. Collection method: clinical testing. Allele origin: germline. Affected: yes.
Comment: Not observed at a significant frequency in large population cohorts (Lek et al., 2016); In silico analysis supports that this missense variant does not alter protein structure/function; Has not been previously published as pathogenic or benign to our knowledge

NM_004369.4(COL6A3):c.6739A>G (p.Ile2247Val)

Gene: COL6A3 (collagen type VI alpha 3 chain; minus strand). Cytogenetic location: 2q37.3.
Variant type: single nucleotide variant.
Coding change: c.6739A>G on transcript NM_004369.4 (MANE Select); coding-DNA position 6739, A replaced by G.
Protein change: p.Ile2247Val; replaces isoleucine 2247 with valine.
Molecular consequence: missense variant.
Genome position (GRCh38, 1-based): chr2:237,352,536, T>C on the plus strand (A>G on the coding strand, the complement: COL6A3 is on the minus strand). VCF-style: chr2-237352536-T-C. GRCh37 (hg19) VCF-style: chr2-238261179-T-C.
Other names: c.4918A>G, p.Ile1640Val (NM_057166.5); c.6121A>G, p.Ile2041Val (NM_057167.4); short protein forms I1640V, I2041V, I2247V.
Identifiers: ClinVar variation 1194794 (VCV001194794.14), dbSNP rs1473692842, ClinGen allele CA351211653.